The following is an entry in ClinVar:

NM_005235.3(ERBB4):c.2745C>T (p.Thr915=)

Gene: ERBB4 (erb-b2 receptor tyrosine kinase 4; minus strand). Cytogenetic location: 2q34.
Variant type: single nucleotide variant.
Coding change: c.2745C>T on transcript NM_005235.3 (MANE Select); coding-DNA position 2745, C replaced by T.
Protein change: p.Thr915=; no amino-acid change (threonine 915 retained).
Molecular consequence: synonymous variant.
Genome position (GRCh38, 1-based): chr2:211,424,276, G>A on the plus strand (C>T on the coding strand, the complement: ERBB4 is on the minus strand). VCF-style: chr2-211424276-G-A. GRCh37 (hg19) VCF-style: chr2-212289001-G-A.
Other names: p.Thr915=; c.2745C>T, p.Thr915= (NM_001042599.2).
Identifiers: ClinVar variation 784585 (VCV000784585.38), dbSNP rs75536447, ClinGen allele CA2087630.

ClinVar aggregate classification (germline): Benign. Review status: criteria provided, multiple submitters, no conflicts (2 of 4 stars). 8 submissions from 8 submitters: Benign (4). 4 of the submissions do not count toward it. Last evaluated 2026-07-01.

Conditions:
ERBB4-related disorder. Also called: ERBB4-related condition.

Allele frequency attached by ClinVar (database versions not stated): 1000 Genomes Project 30x 0.00125; 1000 Genomes Project 0.00140; TOPMed 0.00310; gnomAD 0.00336 and 0.00347; ExAC 0.00406; ESP Exome Variant Server 0.00446.
gnomAD v4.1: 8,435 of 1,612,684 alleles (0.52%); highest among the groups gnomAD compares: Non-Finnish European, 0.65%; 31 homozygotes.

Submissions (8):

CeGaT Center for Human Genetics Tuebingen
Classification: Benign. Last evaluated: 2026-07-01. Review status: criteria provided, single submitter. Criteria: CeGaT Center For Human Genetics Tuebingen Variant Classification Criteria Version 2. Collection method: clinical testing. Allele origin: germline. Affected: yes. Observed: 6 variant alleles.
Comment: ERBB4: BP4, BP7, BS1, BS2

Labcorp Genetics (formerly Invitae), Labcorp
Classification: Benign. Last evaluated: 2026-01-26. Review status: criteria provided, single submitter. Criteria: Invitae Variant Classification Sherloc (09022015). Collection method: clinical testing. Allele origin: germline.

Mayo Clinic Laboratories, Mayo Clinic
Classification: Benign. Last evaluated: 2021-03-19. Review status: criteria provided, single submitter. Criteria: ACMG Guidelines, 2015. Collection method: clinical testing. Allele origin: germline. Observed: 7 variant alleles.

Breakthrough Genomics
Classification: Benign. Review status: criteria provided, single submitter. Criteria: ACMG Guidelines, 2015. Collection method: not provided. Allele origin: germline. Inheritance: Autosomal dominant inheritance. Affected: yes.

PreventionGenetics, part of Exact Sciences
Classification: Benign for ERBB4-related condition. Last evaluated: 2024-07-12. Review status: no assertion criteria provided. Collection method: clinical testing. Allele origin: germline. Not counted in ClinVar's aggregate classification.
Comment: This variant is classified as benign based on ACMG/AMP sequence variant interpretation guidelines (Richards et al. 2015 PMID: 25741868, with internal and published modifications).

Clinical Genetics DNA and cytogenetics Diagnostics Lab, Erasmus MC, Erasmus Medical Center
Classification: Likely benign. Review status: no assertion criteria provided. Collection method: clinical testing. Allele origin: germline. Affected: yes. Study: VKGL Data-share Consensus. Not counted in ClinVar's aggregate classification.

Genome Diagnostics Laboratory, Amsterdam University Medical Center
Classification: Likely benign. Review status: no assertion criteria provided. Collection method: clinical testing. Allele origin: germline. Affected: yes. Study: VKGL Data-share Consensus. Not counted in ClinVar's aggregate classification.

Genome Diagnostics Laboratory, University Medical Center Utrecht
Classification: Likely benign. Review status: no assertion criteria provided. Collection method: clinical testing. Allele origin: germline. Affected: yes. Study: VKGL Data-share Consensus. Not counted in ClinVar's aggregate classification.